The following is an entry in ClinVar:

NM_000400.4(ERCC2):c.580C>G (p.Leu194Val)

Gene: ERCC2 (ERCC excision repair 2, TFIIH core complex helicase subunit; minus strand). Cytogenetic location: 19q13.32.
Variant type: single nucleotide variant.
Coding change: c.580C>G on transcript NM_000400.4 (MANE Select); coding-DNA position 580, C replaced by G.
Protein change: p.Leu194Val; replaces leucine 194 with valine.
Molecular consequence: missense variant.
Genome position (GRCh38, 1-based): chr19:45,364,852, G>C on the plus strand (C>G on the coding strand, the complement: ERCC2 is on the minus strand). VCF-style: chr19-45364852-G-C. GRCh37 (hg19) VCF-style: chr19-45868110-G-C.
Other names: c.508C>G, p.Leu170Val (NM_001130867.2); short protein forms L170V, L194V.
Identifiers: ClinVar variation 3509872 (VCV003509872.1).

ClinVar aggregate classification (germline): Uncertain significance (1 of 4 stars; one submission).

Conditions:
Inborn genetic diseases. Identifiers: MedGen C0950123, MeSH D030342.

Submission:

Ambry Genetics
Classification: Uncertain significance for Inborn genetic diseases. Last evaluated: 2024-09-22. Review status: criteria provided, single submitter. Criteria: Ambry Variant Classification Scheme 2023. Collection method: clinical testing. Allele origin: germline.
Comment: The p.L194V variant (also known as c.580C>G), located in coding exon 7 of the ERCC2 gene, results from a C to G substitution at nucleotide position 580. The leucine at codon 194 is replaced by valine, an amino acid with highly similar properties. This amino acid position is conserved. In addition, the in silico prediction for this alteration is inconclusive. Based on the available evidence, the clinical significance of this variant remains unclear.